The following is an entry in ClinVar:

ClinVar aggregate classification (germline): Likely pathogenic (1 of 4 stars; one submission).

Conditions:
Becker muscular dystrophy, Cardiomyopathy, Duchenne muscular dystrophy, Dystrophin deficiency.

Submission:

Natera, Inc.
Classification: Likely pathogenic for Becker muscular dystrophy, Cardiomyopathy, Duchenne muscular dystrophy, Dystrophin deficiency. Last evaluated: 2024-11-29. Review status: criteria provided, single submitter. Criteria: Natera Variant Classification Schema (03/2026). Collection method: clinical testing. Allele origin: germline.
Comment: The c.1735G>T variant in DMD is a nonsense variant predicted to introduce a stop codon at amino acid 579. This variant is expected to result in nonsense mediated decay, truncation, or a dysfunctional protein product. This variant is rare in the general population with a frequency below the threshold expected for the associated phenotype(s). Given the available evidence, this variant is classified as Likely Pathogenic.

NM_004006.3(DMD):c.1735G>T (p.Glu579Ter)

Gene: DMD (dystrophin; minus strand). Cytogenetic location: Xp21.1.
Variant type: single nucleotide variant.
Coding change: c.1735G>T on transcript NM_004006.3 (MANE Select); coding-DNA position 1735, G replaced by T.
Protein change: p.Glu579Ter; replaces glutamic acid 579 with a stop codon.
Molecular consequence: nonsense.
Genome position (GRCh38, 1-based): chrX:32,573,607, C>A on the plus strand (G>T on the coding strand, the complement: DMD is on the minus strand). VCF-style: chrX-32573607-C-A. GRCh37 (hg19) VCF-style: chrX-32591724-C-A.
Other names: c.1711G>T, p.Glu571Ter (NM_000109.4); c.1723G>T, p.Glu575Ter (NM_004009.3); c.1366G>T, p.Glu456Ter (NM_004010.3); short protein forms E456*, E571*, E575*, E579*.
Identifiers: ClinVar variation 4815299 (VCV004815299.1).